The following is an entry in ClinVar:

ClinVar aggregate classification (germline): Uncertain significance. Review status: criteria provided, multiple submitters, no conflicts (2 of 4 stars). 2 submissions from 2 submitters: Uncertain significance (2). Last evaluated 2026-04-02.

Conditions:
Hereditary cancer-predisposing syndrome. Also called: Tumor predisposition; Neoplastic Syndromes, Hereditary; Hereditary Cancer Syndrome; Hereditary neoplastic syndrome. Identifiers: Orphanet 140162, MedGen C0027672, MeSH D009386, MONDO:0015356.
Multiple endocrine neoplasia, type 2 (MEN2). Identifiers: Orphanet 653, MedGen C4048306, MONDO:0019003. Disease mechanism: gain of function.

Submissions (2):

Ambry Genetics
Classification: Uncertain significance for Hereditary cancer-predisposing syndrome. Last evaluated: 2026-04-02. Review status: criteria provided, single submitter. Criteria: Ambry Variant Classification Scheme 2023. Collection method: clinical testing. Allele origin: germline.
Comment: The p.F346C variant (also known as c.1037T>G), located in coding exon 5 of the RET gene, results from a T to G substitution at nucleotide position 1037. The phenylalanine at codon 346 is replaced by cysteine, an amino acid with highly dissimilar properties. This amino acid position is conserved. In addition, this alteration is predicted to be tolerated by in silico analysis. Based on the available evidence, the clinical significance of this variant remains unclear.

Labcorp Genetics (formerly Invitae), Labcorp
Classification: Uncertain significance for Multiple endocrine neoplasia, type 2. Last evaluated: 2021-12-04. Review status: criteria provided, single submitter. Criteria: Invitae Variant Classification Sherloc (09022015). Collection method: clinical testing. Allele origin: germline.
Comment: In summary, the available evidence is currently insufficient to determine the role of this variant in disease. Therefore, it has been classified as a Variant of Uncertain Significance. Algorithms developed to predict the effect of missense changes on protein structure and function (SIFT, PolyPhen-2, Align-GVGD) all suggest that this variant is likely to be tolerated. This variant has not been reported in the literature in individuals affected with RET-related conditions. This variant is not present in population databases (gnomAD no frequency). This sequence change replaces phenylalanine, which is neutral and non-polar, with cysteine, which is neutral and slightly polar, at codon 346 of the RET protein (p.Phe346Cys).

NM_020975.6(RET):c.1037T>G (p.Phe346Cys)

Gene: RET (ret proto-oncogene; plus strand). Cytogenetic location: 10q11.21.
Variant type: single nucleotide variant.
Coding change: c.1037T>G on transcript NM_020975.6 (MANE Select); coding-DNA position 1037, T replaced by G.
Protein change: p.Phe346Cys; replaces phenylalanine 346 with cysteine.
Molecular consequence: missense variant.
Genome position (GRCh38, 1-based): chr10:43,106,545, T>G. VCF-style: chr10-43106545-T-G. GRCh37 (hg19) VCF-style: chr10-43601993-T-G.
Other names: c.1037T>G, p.Phe346Cys (NM_000323.2, NM_001406743.1, NM_001406744.1 and 6 more transcripts); c.275T>G, p.Phe92Cys (NM_001355216.2); c.908T>G, p.Phe303Cys (NM_001406761.1, NM_001406762.1, NM_001406764.1 and 1 more transcripts); c.749T>G, p.Phe250Cys (NM_001406766.1, NM_001406767.1, NM_001406770.1); short protein forms F346C, F92C, F303C, F250C.
Identifiers: ClinVar variation 1420042 (VCV001420042.8), dbSNP rs2132721788, ClinGen allele CA376546460.